The following is an entry in ClinVar:

NM_000334.4(SCN4A):c.971G>A (p.Trp324Ter)

Gene: SCN4A (sodium voltage-gated channel alpha subunit 4; minus strand). Cytogenetic location: 17q23.3.
Variant type: single nucleotide variant.
Coding change: c.971G>A on transcript NM_000334.4 (MANE Select); coding-DNA position 971, G replaced by A.
Protein change: p.Trp324Ter; replaces tryptophan 324 with a stop codon.
Molecular consequence: nonsense.
Genome position (GRCh38, 1-based): chr17:63,968,088, C>T on the plus strand (G>A on the coding strand, the complement: SCN4A is on the minus strand). VCF-style: chr17-63968088-C-T. GRCh37 (hg19) VCF-style: chr17-62045448-C-T.
Other names: short protein forms W324*.
Identifiers: ClinVar variation 4727872 (VCV004727872.1).

ClinVar aggregate classification (germline): Pathogenic (1 of 4 stars; one submission).

Conditions:
Hyperkalemic periodic paralysis. Also called: Familial hyperkalemic periodic paralysis; Gamstorp disease. Identifiers: Orphanet 682, MedGen C0238357, MONDO:0008224, OMIM 170500, HP:0007215.

Submission:

Labcorp Genetics (formerly Invitae), Labcorp
Classification: Pathogenic for Hyperkalemic periodic paralysis. Last evaluated: 2025-09-25. Review status: criteria provided, single submitter. Criteria: Invitae Variant Classification Sherloc (09022015). Collection method: clinical testing. Allele origin: germline.
Comment: This sequence change creates a premature translational stop signal (p.Trp324*) in the SCN4A gene. It is expected to result in an absent or disrupted protein product. Loss-of-function variants in SCN4A are known to be pathogenic (PMID: 26700687). This variant is not present in population databases (gnomAD no frequency). This variant has not been reported in the literature in individuals affected with SCN4A-related conditions. For these reasons, this variant has been classified as Pathogenic.

Literature cited by the submitters: PubMed 26700687.